The following is an entry in ClinVar:

NM_000059.4(BRCA2):c.2635T>C (p.Ser879Pro)

Gene: BRCA2 (BRCA2 DNA repair associated; plus strand). Cytogenetic location: 13q13.1.
Variant type: single nucleotide variant.
Coding change: c.2635T>C on transcript NM_000059.4 (MANE Select); coding-DNA position 2635, T replaced by C.
Protein change: p.Ser879Pro; replaces serine 879 with proline.
Molecular consequence: missense variant.
Genome position (GRCh38, 1-based): chr13:32,336,990, T>C. VCF-style: chr13-32336990-T-C. GRCh37 (hg19) VCF-style: chr13-32911127-T-C.
Other names: short protein forms S879P.
Identifiers: ClinVar variation 801100 (VCV000801100.10), dbSNP rs753266636, ClinGen allele CA6940618.
Genomic context (GRCh38, chr13:32,336,990, plus strand): 5'-GTAATCCAAAAAAATCAAGAAGAAACTACTTCAATTTCAAAAATAACTGTCAATCCAGAC[T>C]CTGAAGAACTTTTCTCAGACAATGAGAATAATTTTGTCTTCCAAGTAGCTAATGAAAGGA-3'
Protein context (NP_000050.3, residues 869-889): SISKITVNPD[Ser879Pro]EELFSDNENN

ClinVar aggregate classification (germline): Conflicting classifications of pathogenicity. Review status: criteria provided, conflicting classifications (1 of 4 stars). 3 submissions from 3 submitters: Uncertain significance (2); Likely benign (1). Last evaluated 2025-12-08.

Conditions:
Hereditary breast ovarian cancer syndrome. Also called: BRCA1- and BRCA2-Associated Hereditary Breast and Ovarian Cancer; Hereditary breast and ovarian cancer syndrome; Hereditary breast and/or ovarian cancer syndrome; Hereditary breast and ovarian cancer; Hereditary breast and ovarian cancer syndrome (HBOC); Breast and ovarian cancer. Identifiers: Orphanet 145, MedGen C0677776, MeSH D061325, MONDO:0003582. Disease mechanism: loss of function.
Hereditary cancer-predisposing syndrome. Also called: Tumor predisposition; Neoplastic Syndromes, Hereditary; Hereditary Cancer Syndrome; Hereditary neoplastic syndrome. Identifiers: Orphanet 140162, MedGen C0027672, MeSH D009386, MONDO:0015356.

Allele frequency attached by ClinVar (database versions not stated): gnomAD exomes below 0.00001 and 0.00001; ExAC 0.00001.
gnomAD v4.1: 2 of 1,586,874 alleles (0.00013%); highest among the groups gnomAD compares: Admixed American, 0.0038%; no homozygotes.

Submissions (3):

Labcorp Genetics (formerly Invitae), Labcorp
Classification: Uncertain significance for Hereditary breast ovarian cancer syndrome. Last evaluated: 2025-12-08. Review status: criteria provided, single submitter. Criteria: Invitae Variant Classification Sherloc (09022015). Collection method: clinical testing. Allele origin: germline.
Comment: This sequence change replaces serine, which is neutral and polar, with proline, which is neutral and non-polar, at codon 879 of the BRCA2 protein (p.Ser879Pro). This variant is present in population databases (rs753266636, gnomAD 0.004%). This variant has not been reported in the literature in individuals affected with BRCA2-related conditions. ClinVar contains an entry for this variant (Variation ID: 801100). Invitae Evidence Modeling of protein sequence and biophysical properties (such as structural, functional, and spatial information, amino acid conservation, physicochemical variation, residue mobility, and thermodynamic stability) indicates that this missense variant is not expected to disrupt BRCA2 protein function with a negative predictive value of 95%. In summary, the available evidence is currently insufficient to determine the role of this variant in disease. Therefore, it has been classified as a Variant of Uncertain Significance.

Quest Diagnostics Nichols Institute San Juan Capistrano
Classification: Uncertain significance. Last evaluated: 2023-09-02. Review status: criteria provided, single submitter. Criteria: Quest Diagnostics criteria. Collection method: clinical testing. Allele origin: unknown.
Comment: In the published literature, this variant has been reported in an individual with type 2 diabetes and unknown cancer status in a population-based study (PMID: 30630528 (2019)). The frequency of this variant in the general population, 0.0000088 (2/227066 chromosomes (Genome Aggregation Database)), is uninformative in the assessment of its pathogenicity. Analysis of this variant using bioinformatics tools for the prediction of the effect of amino acid changes on protein structure and function yielded predictions that this variant is benign. Based on the available information, we are unable to determine the clinical significance of this variant.

University of Washington Department of Laboratory Medicine, University of Washington
Classification: Likely benign for Hereditary cancer-predisposing syndrome. Last evaluated: 2023-03-23. Review status: criteria provided, single submitter. Criteria: Dines et al. (Genet Med. 2020). Collection method: curation. Allele origin: germline.
Comment: Missense variant in a coldspot region where missense variants are very unlikely to be pathogenic (PMID:31911673).

BRCA2 exon 11 coldspot. Reclassification based on statistical prior probability.

Literature cited by the submitters: PubMed 31911673 (cited by Quest Diagnostics Nichols Institute San Juan Capistrano); PubMed 30630528 (cited by Quest Diagnostics Nichols Institute San Juan Capistrano).